The following is an entry in ClinVar:

ClinVar aggregate classification (germline): Likely pathogenic (1 of 4 stars; one submission).

Conditions:
Chédiak-Higashi syndrome (CHS). Also called: Chediak-Higashi Syndrome. Identifiers: Orphanet 167, MedGen C0007965, MONDO:0008963, OMIM 214500.

Submission:

ISTH-SSC Genomics in Thrombosis and Hemostasis, KU Leuven, Center for Molecular and Vascular Biology
Classification: Likely pathogenic for Chédiak-Higashi syndrome. Review status: criteria provided, single submitter. Criteria: ACMG Guidelines, 2015. Collection method: clinical testing. Allele origin: germline. Affected: yes. Observed: 1 compound heterozygote.
Comment: Submitted to GoldVariant by Jose María Bastida and José Rivera; Grupo Español de Alteraciones Plaquetarias Congénitas (GEAPC)

NM_000081.4(LYST):c.7136T>C (p.Leu2379Pro)

Gene: LYST (lysosomal trafficking regulator; minus strand). Cytogenetic location: 1q42.3.
Variant type: single nucleotide variant.
Coding change: c.7136T>C on transcript NM_000081.4 (MANE Select); coding-DNA position 7136, T replaced by C.
Protein change: p.Leu2379Pro; replaces leucine 2379 with proline.
Molecular consequence: missense variant.
Genome position (GRCh38, 1-based): chr1:235,755,571, A>G on the plus strand (T>C on the coding strand, the complement: LYST is on the minus strand). VCF-style: chr1-235755571-A-G. GRCh37 (hg19) VCF-style: chr1-235918871-A-G.
Other names: c.7136T>C, p.Leu2379Pro (NM_001301365.1); short protein forms L2379P.
Identifiers: ClinVar variation 1691242 (VCV001691242.3), dbSNP rs2527761995, ClinGen allele CA344934838.